The following is an entry in ClinVar:

NM_032656.4(DHX37):c.451C>T (p.Arg151Trp)

Gene: DHX37 (DEAH-box helicase 37; minus strand). Cytogenetic location: 12q24.31.
Variant type: single nucleotide variant.
Coding change: c.451C>T on transcript NM_032656.4 (MANE Select); coding-DNA position 451, C replaced by T.
Protein change: p.Arg151Trp; replaces arginine 151 with tryptophan.
Molecular consequence: missense variant.
Genome position (GRCh38, 1-based): chr12:124,980,777, G>A on the plus strand (C>T on the coding strand, the complement: DHX37 is on the minus strand). VCF-style: chr12-124980777-G-A. GRCh37 (hg19) VCF-style: chr12-125465323-G-A.
Other names: short protein forms R151W.
Identifiers: ClinVar variation 1315592 (VCV001315592.7), dbSNP rs577400960, ClinGen allele CA6872445.

ClinVar aggregate classification (germline): Uncertain significance. Review status: criteria provided, multiple submitters, no conflicts (2 of 4 stars). 4 submissions from 4 submitters: Uncertain significance (4). Last evaluated 2025-12-08.

Conditions:
Inborn genetic diseases. Identifiers: MedGen C0950123, MeSH D030342.
46,XY sex reversal 11. Also called: Vanishing testis; ANORCHIA, FAMILIAL; TESTICULAR REGRESSION, EMBRYONIC; Testicular regression syndrome. Identifiers: Orphanet 983, MedGen C0266427, MONDO:8000015, OMIM 273250, HP:0012870.

Allele frequency attached by ClinVar (database versions not stated): gnomAD 0.00005; gnomAD exomes 0.00008 and 0.00009; TOPMed 0.00010; ExAC 0.00013; 1000 Genomes Project 30x 0.00016; 1000 Genomes Project 0.00020.

Submissions (4):

Labcorp Genetics (formerly Invitae), Labcorp
Classification: Uncertain significance. Last evaluated: 2025-12-08. Review status: criteria provided, single submitter. Criteria: Invitae Variant Classification Sherloc (09022015). Collection method: clinical testing. Allele origin: germline.
Comment: This sequence change replaces arginine, which is basic and polar, with tryptophan, which is neutral and slightly polar, at codon 151 of the DHX37 protein (p.Arg151Trp). This variant is present in population databases (rs577400960, gnomAD 0.02%). This variant has not been reported in the literature in individuals affected with DHX37-related conditions. ClinVar contains an entry for this variant (Variation ID: 1315592). An algorithm developed to predict the effect of missense changes on protein structure and function (PolyPhen-2) suggests that this variant is likely to be tolerated. In summary, the available evidence is currently insufficient to determine the role of this variant in disease. Therefore, it has been classified as a Variant of Uncertain Significance.

Ambry Genetics
Classification: Uncertain significance for Inborn genetic diseases. Last evaluated: 2025-06-12. Review status: criteria provided, single submitter. Criteria: Ambry Variant Classification Scheme 2023. Collection method: clinical testing. Allele origin: germline.

Neuberg Centre For Genomic Medicine, NCGM
Classification: Uncertain significance for 46,XY sex reversal 11. Last evaluated: 2023-05-20. Review status: criteria provided, single submitter. Criteria: ACMG Guidelines, 2015. Collection method: clinical testing. Allele origin: germline. Inheritance: Autosomal dominant inheritance. Affected: yes.
Comment: The observed missense c.451C>T (p.Arg151Trp) variant in DHX37 gene has been reported previously in homozygous state in an individual affected with DHX37-related disorders (da Silva et al., 2018). The p.Arg151Trp variant is present with allele frequency of 0.007% in gnomAD Exomes. This variant has been submitted to the ClinVar database as Uncertain Significance. The amino acid change p.Arg151Trp in DHX37 is predicted as conserved by GERP++ and PhyloP across 100 vertebrates. The amino acid Arg at position 151 is changed to a Trp changing protein sequence and it might alter its composition and physico-chemical properties. Multiple lines of computational evidence (Polyphen - Possibly Damaging, SIFT - Damaging, and MutationTaster - Disease Causing) predict a damaging effect on protein structure and function for this variant. However, additional functional studies will be required to prove the pathogenicity of this variant. For these reasons, this variant has been classified as a Variant of Uncertain Significance (VUS).

GeneDx
Classification: Uncertain significance. Last evaluated: 2021-01-26. Review status: criteria provided, single submitter. Criteria: GeneDx Variant Classification Process June 2021. Collection method: clinical testing. Allele origin: germline. Affected: yes.
Comment: In silico analysis supports that this missense variant has a deleterious effect on protein structure/function; Observed in the homozygous state in an individual with sporadic embryonic testicular regression syndrome in published literature (da Silva et al., 2019); This variant is associated with the following publications: (PMID: 31287541)